The following is an entry in ClinVar:

ClinVar aggregate classification (germline): Pathogenic (1 of 4 stars; one submission).

Conditions:
VPS13A-related neurodegenerative disease. Also called: ACANTHOCYTOSIS WITH NEUROLOGIC DISORDER; LEVINE-CRITCHLEY SYNDROME; Choreoacanthocytosis; Chorea-acanthocytosis; Choreaacanthocytosis; VPS13A Disease. Identifiers: Orphanet 2388, MedGen C0393576, MONDO:0008695, OMIM 200150.

Submission:

Myriad Genetics, Inc.
Classification: Pathogenic for VPS13A-related neurodegenerative disease. Last evaluated: 2025-12-13. Review status: criteria provided, single submitter. Criteria: Myriad Autosomal Dominant, Autosomal Recessive and X-Linked Classification Criteria (2023). Collection method: clinical testing. Allele origin: unknown.
Comment: NM_033305.2(VPS13A):c.1759G>T(E587*) is expected to be pathogenic in the context of VPS13A disease. This variant is predicted to lead to an abnormal or absent protein product due to the creation of a premature termination codon in VPS13A, a gene where loss-of-function variants are known to be pathogenic. Please note: this variant was assessed in the context of healthy population screening.

NM_033305.3(VPS13A):c.1759G>T (p.Glu587Ter)

Gene: VPS13A (vacuolar protein sorting 13 homolog A; plus strand). Cytogenetic location: 9q21.2.
Variant type: single nucleotide variant.
Coding change: c.1759G>T on transcript NM_033305.3 (MANE Select); coding-DNA position 1759, G replaced by T.
Protein change: p.Glu587Ter; replaces glutamic acid 587 with a stop codon.
Molecular consequence: nonsense.
Genome position (GRCh38, 1-based): chr9:77,238,165, G>T. VCF-style: chr9-77238165-G-T. GRCh37 (hg19) VCF-style: chr9-79853081-G-T.
Other names: c.1759G>T, p.Glu587Ter (NM_001018037.2, NM_001018038.3, NM_015186.4); short protein forms E587*.
Identifiers: ClinVar variation 5015316 (VCV005015316.1).